The following is an entry in ClinVar:

ClinVar aggregate classification (germline): Uncertain significance (1 of 4 stars; one submission).

Conditions:
Congenital myotonia, autosomal dominant form (THD). Also called: THOMSEN DISEASE; Myotonia congenita autosomal dominant. Identifiers: Orphanet 614, MedGen C2936781, MONDO:0008055, OMIM 160800.
Congenital myotonia, autosomal recessive form. Also called: BECKER DISEASE; Becker Generalized Myotonia; myotonia congenita, autosomal recessive. Identifiers: Orphanet 614, MedGen C0751360, MONDO:0009715, OMIM 255700.

Allele frequency attached by ClinVar (database versions not stated): gnomAD exomes below 0.00001 and 0.00001; TOPMed 0.00001.
gnomAD v4.1: 5 of 1,614,176 alleles (0.00031%); highest among the groups gnomAD compares: Non-Finnish European, 0.00042%; no homozygotes.

Submission:

Labcorp Genetics (formerly Invitae), Labcorp
Classification: Uncertain significance for Congenital myotonia, autosomal recessive form; Congenital myotonia, autosomal dominant form. Last evaluated: 2025-10-02. Review status: criteria provided, single submitter. Criteria: Invitae Variant Classification Sherloc (09022015). Collection method: clinical testing. Allele origin: germline.
Comment: This sequence change replaces arginine, which is basic and polar, with cysteine, which is neutral and slightly polar, at codon 881 of the CLCN1 protein (p.Arg881Cys). This variant is present in population databases (no rsID available, gnomAD 0.006%). This variant has not been reported in the literature in individuals affected with CLCN1-related conditions. ClinVar contains an entry for this variant (Variation ID: 655460). Invitae Evidence Modeling of protein sequence and biophysical properties (such as structural, functional, and spatial information, amino acid conservation, physicochemical variation, residue mobility, and thermodynamic stability) has been performed for this missense variant. However, the output from this modeling did not meet the statistical confidence thresholds required to predict the impact of this variant on CLCN1 protein function. In summary, the available evidence is currently insufficient to determine the role of this variant in disease. Therefore, it has been classified as a Variant of Uncertain Significance.

NM_000083.3(CLCN1):c.2641C>T (p.Arg881Cys)

Gene: CLCN1 (chloride voltage-gated channel 1; plus strand). Cytogenetic location: 7q34.
Variant type: single nucleotide variant.
Coding change: c.2641C>T on transcript NM_000083.3 (MANE Select); coding-DNA position 2641, C replaced by T.
Protein change: p.Arg881Cys; replaces arginine 881 with cysteine.
Molecular consequence: missense variant. On other transcripts: non-coding transcript variant (1).
Genome position (GRCh38, 1-based): chr7:143,351,639, C>T. VCF-style: chr7-143351639-C-T. GRCh37 (hg19) VCF-style: chr7-143048732-C-T.
Other names: short protein forms R881C.
Identifiers: ClinVar variation 655460 (VCV000655460.9), dbSNP rs1473430259, ClinGen allele CA369653521.